The following is an entry in ClinVar:

ClinVar aggregate classification (germline): Uncertain significance. Review status: criteria provided, multiple submitters, no conflicts (2 of 4 stars). 3 submissions from 3 submitters: Uncertain significance (3). Last evaluated 2025-10-28.

Conditions:
ITK-related disorder. Also called: ITK-related condition.
Lymphoproliferative syndrome 1 (LPFS1). Identifiers: Orphanet 238505, Orphanet 538963, MedGen C3552634, MONDO:0013081, OMIM 613011.

Allele frequency attached by ClinVar (database versions not stated): TOPMed 0.00010; gnomAD 0.00011; ESP Exome Variant Server 0.00015; ExAC 0.00022.
gnomAD v4.1: 172 of 1,613,962 alleles (0.011%); highest among the groups gnomAD compares: Non-Finnish European, 0.013%; no homozygotes.

Submissions (3):

PreventionGenetics, part of Exact Sciences
Classification: Uncertain significance for ITK-related condition. Last evaluated: 2025-10-28. Review status: criteria provided, single submitter. Criteria: ACMG Guidelines, 2015. Collection method: clinical testing. Allele origin: germline.
Comment: The ITK c.940G>C variant is predicted to result in the amino acid substitution p.Asp314His. To our knowledge, this variant has not been reported in the literature. This variant is reported in 0.030% of alleles in individuals of European (Non-Finnish) descent in gnomAD. At this time, the clinical significance of this variant is uncertain due to the absence of conclusive functional and genetic evidence.

Blueprint Genetics
Classification: Uncertain significance. Last evaluated: 2024-10-23. Review status: criteria provided, single submitter. Criteria: ACMG Guidelines, 2015. Collection method: clinical testing. Allele origin: germline.

Labcorp Genetics (formerly Invitae), Labcorp
Classification: Uncertain significance for Lymphoproliferative syndrome 1. Last evaluated: 2022-08-16. Review status: criteria provided, single submitter. Criteria: Invitae Variant Classification Sherloc (09022015). Collection method: clinical testing. Allele origin: germline.
Comment: This sequence change replaces aspartic acid, which is acidic and polar, with histidine, which is basic and polar, at codon 314 of the ITK protein (p.Asp314His). This variant is present in population databases (rs138078237, gnomAD 0.03%). This variant has not been reported in the literature in individuals affected with ITK-related conditions. ClinVar contains an entry for this variant (Variation ID: 956536). Advanced modeling of protein sequence and biophysical properties (such as structural, functional, and spatial information, amino acid conservation, physicochemical variation, residue mobility, and thermodynamic stability) performed at Invitae indicates that this missense variant is not expected to disrupt ITK protein function. In summary, the available evidence is currently insufficient to determine the role of this variant in disease. Therefore, it has been classified as a Variant of Uncertain Significance.

NM_005546.4(ITK):c.940G>C (p.Asp314His)

Gene: ITK (IL2 inducible T cell kinase; plus strand). Cytogenetic location: 5q33.3.
Variant type: single nucleotide variant.
Coding change: c.940G>C on transcript NM_005546.4 (MANE Select); coding-DNA position 940, G replaced by C.
Protein change: p.Asp314His; replaces aspartic acid 314 with histidine.
Molecular consequence: missense variant.
Genome position (GRCh38, 1-based): chr5:157,240,150, G>C. VCF-style: chr5-157240150-G-C. GRCh37 (hg19) VCF-style: chr5-156667160-G-C.
Other names: short protein forms D314H.
Identifiers: ClinVar variation 956536 (VCV000956536.7), dbSNP rs138078237, ClinGen allele CA3532940.
Genomic context (GRCh38, chr5:157,240,150, plus strand): 5'-CACATCAAGGAAACAAATGACAATCCTAAGCGATACTATGTGGCTGAAAAGTATGTGTTC[G>C]ATTCCATCCCTCTTCTCATCAACTATCACCAACATAATGGAGGAGGTAAGCTCTAGAGCA-3'
Protein context (NP_005537.3, residues 304-324): RYYVAEKYVF[Asp314His]SIPLLINYHQ